The following is an entry in ClinVar:

NM_001267550.2(TTN):c.61876C>T (p.Arg20626Ter)

Genes: TTN (titin; minus strand), TTN-AS1 (TTN antisense RNA 1; plus strand). Cytogenetic location: 2q31.2.
Variant type: single nucleotide variant.
Coding change: c.61876C>T on transcript NM_001267550.2 (MANE Select); coding-DNA position 61876, C replaced by T.
Protein change: p.Arg20626Ter; replaces arginine 20626 with a stop codon.
Molecular consequence: nonsense.
Genome position (GRCh38, 1-based): chr2:178,589,849, G>A on the plus strand (C>T on the coding strand, the complement: TTN is on the minus strand). VCF-style: chr2-178589849-G-A. GRCh37 (hg19) VCF-style: chr2-179454576-G-A.
Other names: p.R18985*:CGA>TGA; c.56953C>T, p.Arg18985Ter (NM_001256850.1); c.54172C>T, p.Arg18058Ter (NM_133378.4); c.34681C>T, p.Arg11561Ter (NM_003319.4); c.35056C>T, p.Arg11686Ter (NM_133432.3); c.35257C>T, p.Arg11753Ter (NM_133437.4); short protein forms R20626*, R18058*, R18985*, R11561*, R11686*, R11753*.
Identifiers: ClinVar variation 47175 (VCV000047175.90), dbSNP rs72646846, ClinGen allele CA261891.

ClinVar aggregate classification (germline): Pathogenic/Likely pathogenic. Review status: criteria provided, multiple submitters, no conflicts (2 of 4 stars). 21 submissions from 21 submitters: Pathogenic (13); Likely pathogenic (7). 1 of the submissions does not count toward it. Last evaluated 2026-09-16.

Conditions:
TTN-related disorder. Also called: TTN-related condition; TTN-related disease; TTN-related disorders.
Autosomal recessive titinopathy. Identifiers: MedGen CN315649, MONDO:0100493.
Cardiovascular phenotype. Identifiers: MedGen CN230736.
Dilated cardiomyopathy 1G (CMD1G). Identifiers: Orphanet 154, MedGen C1858763, MONDO:0011400, OMIM 604145.
Autosomal recessive limb-girdle muscular dystrophy type 2J (LGMDR10). Also called: Limb-girdle muscular dystrophy, type 2J; MUSCULAR DYSTROPHY, LIMB-GIRDLE, AUTOSOMAL RECESSIVE 10. Identifiers: Orphanet 140922, MedGen C1837342, MONDO:0012127, OMIM 608807.
Myopathy, myofibrillar, 9, with early respiratory failure (MFM9). Also called: Hereditary myopathy with early respiratory failure; Myopathy, distal, with early respiratory failure, autosomal dominant; EDSTROM MYOPATHY; MYOPATHY, PROXIMAL, WITH EARLY RESPIRATORY MUSCLE INVOLVEMENT. Identifiers: Orphanet 178464, Orphanet 34521, MedGen C1863599, MONDO:0011362, OMIM 603689.
Tibial muscular dystrophy (TMD). Also called: Udd Distal Myopathy – Tibial Muscular Dystrophy; Tibial muscular dystrophy, tardive; UDD MYOPATHY. Identifiers: Orphanet 609, MedGen C1838244, MONDO:0010870, OMIM 600334.
Early-onset myopathy with fatal cardiomyopathy (CMYO5). Also called: Salih Myopathy; CONGENITAL MYOPATHY 5 WITH CARDIOMYOPATHY. Identifiers: Orphanet 289377, MedGen C2673677, MONDO:0012714, OMIM 611705. Disease mechanism: loss of function.
Hypertrophic cardiomyopathy 9. Also called: Familial hypertrophic cardiomyopathy 9. Identifiers: MedGen C1861065, MONDO:0013412, OMIM 613765.
Cardiomyopathy (CMYO). Also called: Cardiomyopathies. Identifiers: Orphanet 167848, MedGen C0878544, MONDO:0004994, HP:0001638. Inheritance: Various modes of inheritance.
Primary dilated cardiomyopathy (DCM). Also called: Dilated Cardiomyopathy. Identifiers: Orphanet 217604, MedGen C0007193, MeSH D002311, MONDO:0005021, HP:0001644. Inheritance: Various modes of inheritance.
Primary familial dilated cardiomyopathy (FDC). Also called: Familial dilated cardiomyopathy; Hypokinetic dilated cardiomyopathy, familial. Identifiers: Orphanet 217607, MedGen C0340427, MONDO:0016333.

Allele frequency attached by ClinVar (database versions not stated): gnomAD exomes 0.00003 and 0.00008; gnomAD 0.00006; ExAC 0.00007; TOPMed 0.00007.
gnomAD v4.1: 57 of 1,613,266 alleles (0.0035%); highest among the groups gnomAD compares: South Asian, 0.0022%; no homozygotes.

Submissions 1 to 5 of 21:

GeneDx
Classification: Likely pathogenic. Last evaluated: 2026-09-16. Review status: criteria provided, single submitter. Criteria: GeneDx Variant Classification Process June 2021. Collection method: clinical testing. Allele origin: germline.
Comment: Nonsense variant predicted to result in protein truncation or nonsense mediated decay in a gene for which loss of function is a known mechanism of disease; Located in the A-band, a region of TTN for which truncating variants are significantly associated with autosomal dominant cardiomyopathy and also with autosomal recessive skeletal myopathies (PMID: 22335739, 32778822); This variant is associated with the following publications: (PMID: 28798025, 30535219, 31660661, 24980681, 22335739, 30609409, 30536954, 25589632, 24503780, 31514951, 32160020, 32277046, 24119082, 30571272, 34461741, 35177841, 34363016, 34315225, 33226272, 36264615, 37279760, 40155426, 39844436, 32778822)

PreventionGenetics, part of Exact Sciences
Classification: Pathogenic for TTN-related condition. Last evaluated: 2026-09-14. Review status: criteria provided, single submitter. Criteria: ACMG Guidelines, 2015. Collection method: clinical testing. Allele origin: germline.
Comment: The TTN c.61876C>T variant is predicted to result in premature protein termination (p.Arg20626*). This variant is alternatively referred to as c.56953C>T (p.Arg18985*) with the transcript NM_001256850 in the literature. This variant has been reported in the heterozygous state in individuals with dilated cardiomyopathy, left ventricular noncompaction cardiomyopathy, or atrial fibrillation (Table S4, Herman et al. 2012. PubMed ID: 22335739; Table S6, Miszalski-Jamka et al. 2017. PubMed ID: 28798025; Table S5, Choi et al. 2018. PubMed ID: 30535219; Table S1, Gigli et al. 2019. PubMed ID: 31514951). This variant has also been reported in the compound heterozygous state in an individual with autosomal recessive arthrogryposis multiplex congenita and myopathy (Bryen et al. 2020. PubMed ID: 31660661). This variant is reported in 0.16% of alleles in individuals of Ashkenazi Jewish descent in gnomAD. This variant is located in the A-band region of the protein in which truncating TTN variants have been found more frequently in dilated cardiomyopathy patients than in controls (Herman et al. 2012. PubMed ID: 22335739). RNAseq studies from heart tissue indicate this exon is commonly included in TTN mRNA transcripts (PSI of 97%-100%, Roberts et al. 2015. PubMed ID: 25589632). TTN loss-of-function variants occurring in constitutively expressed exons (PSI > 90%) are more likely to be disease causing for TTN cardiac-related disorders regardless of band location (Roberts et al. 2015. PubMed ID: 25589632; Schafer et al. 2017. PubMed ID: 27869827; Akhtar et al. 2020. PubMed ID: 32964742). Many cases of recessive TTN-related myopathies in which the individual is compound heterozygous for two loss-of-function variants in TTN have also been reported (Oates et al. 2018. PubMed ID: 29691892; Ge et al. 2019. PubMed ID: 31053406; Rees et al. 2021. PubMed ID: 33449170). In summary, this variant is categorized as pathogenic. Of note, this variant is considered pathogenic for increased risk of TTN-related cardiac disorders, and also for autosomal recessive TTN-related congenital titinopathies.

Myofin, Folkhalsan Research Center
Classification: Pathogenic for Autosomal recessive titinopathy. Last evaluated: 2026-02-06. Review status: criteria provided, single submitter. Criteria: ACMG Guidelines, 2015. Collection method: research. Allele origin: germline. Affected: yes.
Comment: TTN loss-of-function is an established mechanism for autosomal recessive titinopathies. ACMG/AMP criteria applied: PVS1 (predicted loss of function), PM2_Supporting (absent/rare in population databases), and PP4_Supporting (highly consistent clinical phenotype). Overall classification: Pathogenic for recessive titinopathy.

Labcorp Genetics (formerly Invitae), Labcorp
Classification: Pathogenic for Dilated cardiomyopathy 1G; Autosomal recessive limb-girdle muscular dystrophy type 2J. Last evaluated: 2026-01-25. Review status: criteria provided, single submitter. Criteria: Invitae Variant Classification Sherloc (09022015). Collection method: clinical testing. Allele origin: germline.
Comment: This sequence change creates a premature translational stop signal (p.Arg20626*) in the TTN gene. While this is not anticipated to result in nonsense mediated decay, it is expected to create a truncated TTN protein. This variant is present in population databases (rs72646846, gnomAD 0.2%). This premature translational stop signal has been observed in individual(s) with autosomal recessive congenital myopathy and/or dilated cardiomyopathy (PMID: 22335739, 31660661). In at least one individual the data is consistent with being in trans (on the opposite chromosome) from a pathogenic variant. This variant is also known as c.56953G>A, p.Arg18985*. ClinVar contains an entry for this variant (Variation ID: 47175). This variant is located in the A band of TTN (PMID: 25589632). Truncating variants in this region are significantly overrepresented in patients affected with dilated cardiomyopathy (PMID: 25589632). Truncating variants in this region have also been reported in individuals affected with autosomal recessive centronuclear myopathy (PMID: 23975875). For these reasons, this variant has been classified as Pathogenic.

Victorian Clinical Genetics Services, Murdoch Childrens Research Institute
Classification: Pathogenic for Dilated cardiomyopathy 1G. Last evaluated: 2025-11-13. Review status: criteria provided, single submitter. Criteria: ACMG Guidelines, 2015. Collection method: clinical testing. Allele origin: germline. Affected: yes.
Comment: This variant is classified as Pathogenic. Evidence in support of pathogenic classification: Variant is predicted to cause nonsense-mediated decay (NMD) and loss of protein (premature termination codon is located at least 54 nucleotides upstream of the final exon-exon junction); Variant is present in gnomAD <0.01 (v4: 57 heterozygote(s), 0 homozygote(s)); This variant has strong previous evidence of pathogenicity in unrelated individuals. This variant has been classified as likely pathogenic/pathogenic by many clinical laboratories in ClinVar; Other NMD-predicted variants comparable to the one identified in this case have strong previous evidence for pathogenicity (ClinVar). Additional information: This variant is heterozygous; This gene is associated with both recessive and dominant disease (OMIM); Variant is located in the annotated A-band and the exon has a PSI score of 100% (PMID: 25589632); Loss of function is a known mechanism of disease in this gene. In addition, dominant negative is also a suggested mechanism. (PMID: 25589632); The condition associated with this gene has incomplete penetrance. Variants in this gene that result in a premature termination codon (PTC) are known to have reduced penetrance in DCM (PMID: 25589632); Inheritance information for this variant is not currently available in this individual.